The following is an entry in ClinVar:

ClinVar aggregate classification (germline): Uncertain significance (1 of 4 stars; one submission).

Conditions:
Carnitine palmitoyltransferase II deficiency. Also called: Carnitine Palmitoyltransferase 2 Deficiency. Identifiers: Orphanet 157, MedGen C0342790, MONDO:0015515.

Allele frequency attached by ClinVar (database versions not stated): TOPMed below 0.00001; gnomAD 0.00001.
gnomAD v4.1: 2 of 1,613,976 alleles (0.00012%); highest among the groups gnomAD compares: Non-Finnish European, 0.00017%; no homozygotes.

Submission:

Labcorp Genetics (formerly Invitae), Labcorp
Classification: Uncertain significance for Carnitine palmitoyltransferase II deficiency. Last evaluated: 2022-05-12. Review status: criteria provided, single submitter. Criteria: Invitae Variant Classification Sherloc (09022015). Collection method: clinical testing. Allele origin: germline.
Comment: This sequence change replaces alanine, which is neutral and non-polar, with serine, which is neutral and polar, at codon 152 of the CPT2 protein (p.Ala152Ser). This variant is not present in population databases (gnomAD no frequency). This variant has not been reported in the literature in individuals affected with CPT2-related conditions. Advanced modeling of protein sequence and biophysical properties (such as structural, functional, and spatial information, amino acid conservation, physicochemical variation, residue mobility, and thermodynamic stability) performed at Invitae indicates that this missense variant is not expected to disrupt CPT2 protein function. In summary, the available evidence is currently insufficient to determine the role of this variant in disease. Therefore, it has been classified as a Variant of Uncertain Significance.

NM_000098.3(CPT2):c.454G>T (p.Ala152Ser)

Gene: CPT2 (carnitine palmitoyltransferase 2; plus strand). Cytogenetic location: 1p32.3.
Variant type: single nucleotide variant.
Coding change: c.454G>T on transcript NM_000098.3 (MANE Select); coding-DNA position 454, G replaced by T.
Protein change: p.Ala152Ser; replaces alanine 152 with serine.
Molecular consequence: missense variant.
Genome position (GRCh38, 1-based): chr1:53,210,128, G>T. VCF-style: chr1-53210128-G-T. GRCh37 (hg19) VCF-style: chr1-53675800-G-T.
Other names: c.454G>T, p.Ala152Ser (NM_001330589.2); short protein forms A152S.
Identifiers: ClinVar variation 1971242 (VCV001971242.2), dbSNP rs1283277240, ClinGen allele CA340392198.
Genomic context (GRCh38, chr1:53,210,128, plus strand): 5'-AATCCATTTATGGCTTTCAATCCTGACCCAAAATCTGAGTATAATGACCAGCTCACCCGG[G>T]CAACCAACATGACTGTTTCTGCCATCCGGTTTCTGAAGACACTCCGGGCTGGCCTTCTGG-3'
Protein context (NP_000089.1, residues 142-162): KSEYNDQLTR[Ala152Ser]TNMTVSAIRF